The following is an entry in ClinVar:

ClinVar aggregate classification (germline): Likely benign (1 of 4 stars; one submission).

Conditions:
IFT81-related disorder. Also called: IFT81-related condition.

gnomAD v4.1: 2 of 1,588,974 alleles (0.00013%); highest among the groups gnomAD compares: Admixed American, 0.0037%; no homozygotes.

Submission:

PreventionGenetics, part of Exact Sciences
Classification: Likely benign for IFT81-related condition. Last evaluated: 2026-07-07. Review status: criteria provided, single submitter. Criteria: ACMG Guidelines, 2015. Collection method: clinical testing. Allele origin: germline.
Comment: This variant is classified as likely benign based on ACMG/AMP sequence variant interpretation guidelines (Richards et al. 2015 PMID: 25741868, with internal and published modifications).

NM_014055.4(IFT81):c.1716+7C>T

Gene: IFT81 (intraflagellar transport 81; plus strand). Cytogenetic location: 12q24.11.
Variant type: single nucleotide variant.
Coding change: c.1716+7C>T on transcript NM_014055.4 (MANE Select); 7 bases into the intron after coding-DNA position 1716, C replaced by T.
Molecular consequence: intron variant.
Genome position (GRCh38, 1-based): chr12:110,205,521, C>T. VCF-style: chr12-110205521-C-T. GRCh37 (hg19) VCF-style: chr12-110643326-C-T.
Other names: c.786+7C>T (NM_001347948.2, NM_001347947.2); c.1716+7C>T (NM_001143779.2).
Identifiers: ClinVar variation 4978354 (VCV004978354.1).